The following is an entry in ClinVar:

NM_001365276.2(TNXB):c.8484A>C (p.Ala2828=)

Gene: TNXB (tenascin XB; minus strand). Cytogenetic location: 6p21.33.
Variant type: single nucleotide variant.
Coding change: c.8484A>C on transcript NM_001365276.2 (MANE Select); coding-DNA position 8484, A replaced by C.
Protein change: p.Ala2828=; no amino-acid change (alanine 2828 retained).
Molecular consequence: synonymous variant.
Genome position (GRCh38, 1-based): chr6:32,053,695, T>G on the plus strand (A>C on the coding strand, the complement: TNXB is on the minus strand). VCF-style: chr6-32053695-T-G. GRCh37 (hg19) VCF-style: chr6-32021472-T-G.
Other names: p.Ala2826=; c.8478A>C, p.Ala2826= (NM_019105.8).
Identifiers: ClinVar variation 1189846 (VCV001189846.36), dbSNP rs367949241, ClinGen allele CA3733819.

ClinVar aggregate classification (germline): Conflicting classifications of pathogenicity. Review status: criteria provided, conflicting classifications (1 of 4 stars). 9 submissions from 9 submitters: Uncertain significance (1); Likely benign (7). 1 of the submissions does not count toward it. Last evaluated 2026-01-19.

Conditions:
TNXB-related disorder. Also called: TNXB-related condition.
Ehlers-Danlos syndrome (EDS). Identifiers: Orphanet 98249, MedGen C0013720, MONDO:0020066.
Cardiovascular phenotype. Identifiers: MedGen CN230736.

Allele frequency attached by ClinVar (database versions not stated): ESP Exome Variant Server 0.00038; ExAC 0.00041; gnomAD 0.00045 and 0.00047; TOPMed 0.00045.
gnomAD v4.1: 1,070 of 1,612,254 alleles (0.066%); highest among the groups gnomAD compares: Non-Finnish European, 0.081%; no homozygotes.

Submissions (9):

Labcorp Genetics (formerly Invitae), Labcorp
Classification: Likely benign. Last evaluated: 2026-01-19. Review status: criteria provided, single submitter. Criteria: Invitae Variant Classification Sherloc (09022015). Collection method: clinical testing. Allele origin: germline.

CeGaT Center for Human Genetics Tuebingen
Classification: Likely benign. Last evaluated: 2026-01-01. Review status: criteria provided, single submitter. Criteria: CeGaT Center For Human Genetics Tuebingen Variant Classification Criteria Version 2. Collection method: clinical testing. Allele origin: germline. Affected: yes. Observed: 3 variant alleles.
Comment: TNXB: BP4, BP7

Mayo Clinic Laboratories, Mayo Clinic
Classification: Likely benign. Last evaluated: 2025-08-16. Review status: criteria provided, single submitter. Criteria: ACMG Guidelines, 2015. Collection method: clinical testing. Allele origin: germline. Observed: 11 variant alleles.

Women's Health and Genetics/Laboratory Corporation of America, LabCorp
Classification: Likely benign. Last evaluated: 2024-09-17. Review status: criteria provided, single submitter. Criteria: LabCorp Variant Classification Summary - May 2015. Collection method: clinical testing. Allele origin: germline.

GeneDx
Classification: Likely benign. Last evaluated: 2020-12-14. Review status: criteria provided, single submitter. Criteria: GeneDx Variant Classification Process June 2021. Collection method: clinical testing. Allele origin: germline. Affected: yes.

Ambry Genetics
Classification: Likely benign for Cardiovascular phenotype. Last evaluated: 2020-02-03. Review status: criteria provided, single submitter. Criteria: Ambry Variant Classification Scheme 2023. Collection method: clinical testing. Allele origin: germline.

Genome Diagnostics Laboratory, The Hospital for Sick Children
Classification: Uncertain significance for Ehlers-Danlos syndrome. Last evaluated: 2018-12-01. Review status: criteria provided, single submitter. Criteria: ACMG Guidelines, 2015. Collection method: clinical testing. Allele origin: germline.

Breakthrough Genomics
Classification: Likely benign. Review status: criteria provided, single submitter. Criteria: ACMG Guidelines, 2015. Collection method: not provided. Allele origin: germline. Inheritance: Autosomal recessive inheritance. Affected: yes.

PreventionGenetics, part of Exact Sciences
Classification: Likely benign for TNXB-related condition. Last evaluated: 2022-05-04. Review status: no assertion criteria provided. Collection method: clinical testing. Allele origin: germline. Not counted in ClinVar's aggregate classification.
Comment: This variant is classified as likely benign based on ACMG/AMP sequence variant interpretation guidelines (Richards et al. 2015 PMID: 25741868, with internal and published modifications).